The following is an entry in ClinVar:

ClinVar aggregate classification (germline): Uncertain significance (1 of 4 stars; one submission).

Conditions:
H1-4-related disorder. Also called: H1-4-related condition.

gnomAD v4.1: 1 of 1,579,986 alleles (0.000063%); highest among the groups gnomAD compares: Non-Finnish European, 0.000085%; no homozygotes.

Submission:

PreventionGenetics, part of Exact Sciences
Classification: Uncertain significance for H1-4-related condition. Last evaluated: 2025-02-10. Review status: criteria provided, single submitter. Criteria: ACMG Guidelines, 2015. Collection method: clinical testing. Allele origin: germline.
Comment: The H1-4 c.658T>C variant is predicted to result in extension of the open reading frame (p.*220Glnext*26). To our knowledge, this variant has not been reported in the literature or in a large population database (gnomAD), indicating this variant is rare. At this time, the clinical significance of this variant is uncertain due to the absence of conclusive functional and genetic evidence.

NM_005321.3(H1-4):c.658T>C (p.Ter220Gln)

Gene: H1-4 (H1.4 linker histone, cluster member; plus strand). Cytogenetic location: 6p22.2.
Variant type: single nucleotide variant.
Coding change: c.658T>C on transcript NM_005321.3 (MANE Select); coding-DNA position 658, T replaced by C.
Protein change: p.Ter220Gln.
Molecular consequence: stop lost.
Genome position (GRCh38, 1-based): chr6:26,157,048, T>C. VCF-style: chr6-26157048-T-C. GRCh37 (hg19) VCF-style: chr6-26157276-T-C.
Identifiers: ClinVar variation 4986278 (VCV004986278.1).
Genomic context (GRCh38, chr6:26,157,048, plus strand): 5'-AAACCAAAGACCGCCAAGCCCAAGGCAGCCAAGCCAAAGAAGGCGGCAGCCAAGAAAAAG[T>C]AGAAAGTTCCTTTGGCCAACTGCTTAGAAGCCCAACACAACCCAAAGGCTCTTTTCAGAG-3'